The following is an entry in ClinVar:

NM_020461.4(TUBGCP6):c.2141T>C (p.Val714Ala)

Gene: TUBGCP6 (tubulin gamma complex component 6; minus strand). Cytogenetic location: 22q13.33.
Variant type: single nucleotide variant.
Coding change: c.2141T>C on transcript NM_020461.4 (MANE Select); coding-DNA position 2141, T replaced by C.
Protein change: p.Val714Ala; replaces valine 714 with alanine.
Molecular consequence: missense variant.
Genome position (GRCh38, 1-based): chr22:50,224,345, A>G on the plus strand (T>C on the coding strand, the complement: TUBGCP6 is on the minus strand). VCF-style: chr22-50224345-A-G. GRCh37 (hg19) VCF-style: chr22-50662774-A-G.
Other names: short protein forms V714A.
Identifiers: ClinVar variation 1377040 (VCV001377040.6), dbSNP rs2147185031, ClinGen allele CA412102871.

ClinVar aggregate classification (germline): Uncertain significance (1 of 4 stars; one submission).

Submission:

Labcorp Genetics (formerly Invitae), Labcorp
Classification: Uncertain significance. Last evaluated: 2024-02-23. Review status: criteria provided, single submitter. Criteria: Invitae Variant Classification Sherloc (09022015). Collection method: clinical testing. Allele origin: germline.
Comment: This sequence change replaces valine, which is neutral and non-polar, with alanine, which is neutral and non-polar, at codon 714 of the TUBGCP6 protein (p.Val714Ala). This variant is not present in population databases (gnomAD no frequency). This variant has not been reported in the literature in individuals affected with TUBGCP6-related conditions. ClinVar contains an entry for this variant (Variation ID: 1377040). An algorithm developed to predict the effect of missense changes on protein structure and function (PolyPhen-2) suggests that this variant is likely to be tolerated. In summary, the available evidence is currently insufficient to determine the role of this variant in disease. Therefore, it has been classified as a Variant of Uncertain Significance.